The following is an entry in ClinVar:

ClinVar aggregate classification (germline): Uncertain significance (1 of 4 stars; one submission).

Conditions:
Ataxia-telangiectasia syndrome (AT). Also called: Ataxia-telangiectasia, complementation group E; Ataxia telangiectasia (A-T); LOUIS-BAR SYNDROME; ATAXIA-TELANGIECTASIA, FRESNO VARIANT; AT, COMPLEMENTATION GROUP C; Ataxia-telangiectasia. Identifiers: Orphanet 100, MedGen C0004135, MONDO:0008840, OMIM 208900.

Submission:

Labcorp Genetics (formerly Invitae), Labcorp
Classification: Uncertain significance for Ataxia-telangiectasia syndrome. Last evaluated: 2019-06-11. Review status: criteria provided, single submitter. Criteria: Invitae Variant Classification Sherloc (09022015). Collection method: clinical testing. Allele origin: germline.
Comment: In summary, the available evidence is currently insufficient to determine the role of this variant in disease. Therefore, it has been classified as a Variant of Uncertain Significance. Experimental studies and prediction algorithms are not available or were not evaluated for this variant, and the functional significance of the affected amino acid(s) is currently unknown. This variant has not been reported in the literature in individuals with ATM-related conditions. This variant is not present in population databases (ExAC no frequency). This variant, c.276_284dup, results in the insertion of 3 amino acid(s) to the ATM protein (p.Lys93_Gln95dup), but otherwise preserves the integrity of the reading frame.

NM_000051.4(ATM):c.276_284dup (p.Lys93_Gln95dup)

Gene: ATM (ATM serine/threonine kinase; plus strand). Cytogenetic location: 11q22.3.
Variant type: Duplication.
Coding change: c.276_284dup on transcript NM_000051.4 (MANE Select); coding-DNA positions 276 to 284, 9 bases duplicated (AAAGATGCA; older notation c.276_284dupAAAGATGCA).
Protein change: p.Lys93_Gln95dup.
Molecular consequence: inframe insertion.
Genome position (GRCh38, 1-based): chr11:108,229,268-108,229,276, AAAGATGCA duplicated; duplicating any 9 consecutive bases within chr11:108,229,267-108,229,276 gives the same sequence; the c. name uses the placement nearest the transcript's 3' end. VCF-style (leftmost placement, unchanged base first): chr11-108229266-A-AAAAAGATGC. GRCh37 (hg19) VCF-style: chr11-108099993-A-AAAAAGATGC.
Other names: c.276_284dup, p.Lys93_Gln95dup (NM_001351834.2, NM_001351835.2, NM_001351836.2).
Identifiers: ClinVar variation 945203 (VCV000945203.9), dbSNP rs2078889184, ClinGen allele CA1139662252.